The following is an entry in ClinVar:

ClinVar aggregate classification (germline): Uncertain significance (1 of 4 stars; one submission).

Conditions:
Short-rib thoracic dysplasia 6 with or without polydactyly (SRTD6). Also called: Majewski Syndrome; POLYDACTYLY WITH NEONATAL CHONDRODYSTROPHY, TYPE II; SHORT RIB-POLYDACTYLY SYNDROME, TYPE IIA; SHORT-RIB THORACIC DYSPLASIA 6 WITH POLYDACTYLY; SHORT-RIB THORACIC DYSPLASIA 6 WITHOUT POLYDACTYLY. Identifiers: MedGen C0024507, MONDO:0009894, OMIM 263520.

Allele frequency attached by ClinVar (database versions not stated): ExAC 0.00001; gnomAD 0.00001; TOPMed 0.00001; gnomAD exomes 0.00003.
gnomAD v4.1: 47 of 1,610,416 alleles (0.0029%); highest among the groups gnomAD compares: Non-Finnish European, 0.004%; no homozygotes.

Submission:

Labcorp Genetics (formerly Invitae), Labcorp
Classification: Uncertain significance for Short-rib thoracic dysplasia 6 with or without polydactyly. Last evaluated: 2024-05-13. Review status: criteria provided, single submitter. Criteria: Invitae Variant Classification Sherloc (09022015). Collection method: clinical testing. Allele origin: germline.
Comment: This sequence change replaces serine, which is neutral and polar, with phenylalanine, which is neutral and non-polar, at codon 653 of the NEK1 protein (p.Ser653Phe). This variant is present in population databases (rs746578813, gnomAD 0.002%). This variant has not been reported in the literature in individuals affected with NEK1-related conditions. Advanced modeling of protein sequence and biophysical properties (such as structural, functional, and spatial information, amino acid conservation, physicochemical variation, residue mobility, and thermodynamic stability) performed at Invitae indicates that this missense variant is not expected to disrupt NEK1 protein function with a negative predictive value of 80%. In summary, the available evidence is currently insufficient to determine the role of this variant in disease. Therefore, it has been classified as a Variant of Uncertain Significance.

NM_001199397.3(NEK1):c.2042C>T (p.Ser681Phe)

Gene: NEK1 (NIMA related kinase 1; minus strand). Cytogenetic location: 4q33.
Variant type: single nucleotide variant.
Coding change: c.2042C>T on transcript NM_001199397.3 (MANE Select); coding-DNA position 2042, C replaced by T.
Protein change: p.Ser681Phe; replaces serine 681 with phenylalanine.
Molecular consequence: missense variant. On other transcripts: non-coding transcript variant (1).
Genome position (GRCh38, 1-based): chr4:169,479,500, G>A on the plus strand (C>T on the coding strand, the complement: NEK1 is on the minus strand). VCF-style: chr4-169479500-G-A. GRCh37 (hg19) VCF-style: chr4-170400651-G-A.
Other names: c.1910C>T, p.Ser637Phe (NM_001199398.3); c.1751C>T, p.Ser584Phe (NM_001199399.3); c.1826C>T, p.Ser609Phe (NM_001199400.3); c.2042C>T, p.Ser681Phe (NM_001374418.1); c.1958C>T, p.Ser653Phe (NM_001374419.1, NM_012224.4); c.1907C>T, p.Ser636Phe (NM_001374420.1); c.1736C>T, p.Ser579Phe (NM_001374421.1); short protein forms S584F, S637F, S579F, S636F, S681F, S653F, S609F.
Identifiers: ClinVar variation 2917841 (VCV002917841.3), dbSNP rs746578813, ClinGen allele CA3137531.